The following is an entry in ClinVar:

NM_000130.5(F5):c.1531A>G (p.Ile511Val)

Gene: F5 (coagulation factor V; minus strand). Cytogenetic location: 1q24.2.
Variant type: single nucleotide variant.
Coding change: c.1531A>G on transcript NM_000130.5 (MANE Select); coding-DNA position 1531, A replaced by G.
Protein change: p.Ile511Val; replaces isoleucine 511 with valine.
Molecular consequence: missense variant.
Genome position (GRCh38, 1-based): chr1:169,549,881, T>C on the plus strand (A>G on the coding strand, the complement: F5 is on the minus strand). VCF-style: chr1-169549881-T-C. GRCh37 (hg19) VCF-style: chr1-169519119-T-C.
Other names: short protein forms I511V.
Identifiers: ClinVar variation 4977764 (VCV004977764.1).

ClinVar aggregate classification (germline): Uncertain significance (1 of 4 stars; one submission).

Conditions:
F5-related disorder. Also called: F5-related condition.

gnomAD v4.1: 6 of 1,614,184 alleles (0.00037%); highest among the groups gnomAD compares: South Asian, 0.0011%; no homozygotes.

Submission:

PreventionGenetics, part of Exact Sciences
Classification: Uncertain significance for F5-related condition. Last evaluated: 2025-06-05. Review status: criteria provided, single submitter. Criteria: ACMG Guidelines, 2015. Collection method: clinical testing. Allele origin: germline.
Comment: The F5 c.1531A>G variant is predicted to result in the amino acid substitution p.Ile511Val. To our knowledge, this variant has not been reported in the literature. This variant is reported in 0.00088% of alleles in individuals of European (Non-Finnish) descent in gnomAD. At this time, the clinical significance of this variant is uncertain due to the absence of conclusive functional and genetic evidence.